The following is an entry in ClinVar:

NM_005732.4(RAD50):c.3553C>T (p.Arg1185Ter)

Genes: TH2-LCR (Th2 cytokine locus control region; plus strand), TH2LCRR (T helper type 2 locus control region associated RNA; minus strand), RAD50 (RAD50 double strand break repair protein; plus strand). Cytogenetic location: 5q31.1.
Variant type: single nucleotide variant.
Coding change: c.3553C>T on transcript NM_005732.4 (MANE Select); coding-DNA position 3553, C replaced by T.
Protein change: p.Arg1185Ter; replaces arginine 1185 with a stop codon.
Molecular consequence: nonsense. On other transcripts: non-coding transcript variant (3).
Genome position (GRCh38, 1-based): chr5:132,638,158, C>T. VCF-style: chr5-132638158-C-T. GRCh37 (hg19) VCF-style: chr5-131973850-C-T.
Other names: short protein forms R1185*.
Identifiers: ClinVar variation 216097 (VCV000216097.19), dbSNP rs778555849, ClinGen allele CA338600.

ClinVar aggregate classification (germline): Pathogenic/Likely pathogenic. Review status: criteria provided, multiple submitters, no conflicts (2 of 4 stars). 5 submissions from 5 submitters: Pathogenic (4); Likely pathogenic (1). Last evaluated 2026-01-25.

Conditions:
RAD50-related disorder. Also called: RAD50-related condition.
Hereditary cancer-predisposing syndrome. Also called: Neoplastic Syndromes, Hereditary; Tumor predisposition; Hereditary Cancer Syndrome; Hereditary neoplastic syndrome. Identifiers: Orphanet 140162, MedGen C0027672, MeSH D009386, MONDO:0015356.
Nijmegen breakage syndrome-like disorder (NBSLD). Also called: MICROCEPHALY AND SPONTANEOUS CHROMOSOME INSTABILITY WITHOUT IMMUNODEFICIENCY; NBS-LIKE DISORDER; RAD50 DEFICIENCY. Identifiers: Orphanet 240760, MedGen C2751318, MONDO:0013118, OMIM 613078.

Allele frequency attached by ClinVar (database versions not stated): ExAC 0.00001; gnomAD exomes 0.00002; gnomAD 0.00003 and 0.00004.
gnomAD v4.1: 41 of 1,613,952 alleles (0.0025%); highest among the groups gnomAD compares: East Asian, 0.0045%; no homozygotes.

Submissions (5):

Labcorp Genetics (formerly Invitae), Labcorp
Classification: Pathogenic for Hereditary cancer-predisposing syndrome. Last evaluated: 2026-01-25. Review status: criteria provided, single submitter. Criteria: Invitae Variant Classification Sherloc (09022015). Collection method: clinical testing. Allele origin: germline.
Comment: This sequence change creates a premature translational stop signal (p.Arg1185*) in the RAD50 gene. It is expected to result in an absent or disrupted protein product. Loss-of-function variants in RAD50 are known to be pathogenic (PMID: 19409520). This variant is present in population databases (rs778555849, gnomAD 0.008%). This premature translational stop signal has been observed in individual(s) with breast cancer (PMID: 28961279, 29752822). ClinVar contains an entry for this variant (Variation ID: 216097). Algorithms developed to predict the effect of sequence changes on RNA splicing suggest that this variant may disrupt the consensus splice site. For these reasons, this variant has been classified as Pathogenic.

Baylor Genetics
Classification: Pathogenic for Nijmegen breakage syndrome-like disorder. Last evaluated: 2023-06-21. Review status: criteria provided, single submitter. Criteria: ACMG Guidelines, 2015. Collection method: clinical testing. Allele origin: unknown.

Blueprint Genetics
Classification: Likely pathogenic for RAD50-related disorders. Last evaluated: 2023-01-27. Review status: criteria provided, single submitter. Criteria: ACMG Guidelines, 2015. Collection method: clinical testing. Allele origin: germline. Affected: yes. Observed: 5 variant alleles.

Ambry Genetics
Classification: Pathogenic for Hereditary cancer-predisposing syndrome. Last evaluated: 2022-02-18. Review status: criteria provided, single submitter. Criteria: Ambry Variant Classification Scheme 2023. Collection method: clinical testing. Allele origin: germline.
Comment: The p.R1185* pathogenic mutation (also known as c.3553C>T), located in coding exon 23 of the RAD50 gene, results from a C to T substitution at nucleotide position 3553. This changes the amino acid from an arginine to a stop codon within coding exon 23. This alteration has been observed in multiple individuals with high risk breast cancer (Sung PL et al. PLoS ONE, 2017 Sep;12:e0185615; Fan C et al. Int J Cancer, 2018 10;143:1935-1942; Li JY et al. Int J Cancer, 2019 01;144:281-289; McVeigh &Uacute;M et al. Ir J Med Sci, 2020 Aug;189:849-864). In one study, this alteration was also detected in an individual with sporadic esophageal squamous cell carcinoma (Ko JMY et al. Cancers (Basel), 2021 Sep;13). This alteration is expected to result in loss of function by premature protein truncation or nonsense-mediated mRNA decay. As such, this alteration is interpreted as a disease-causing mutation.

Eurofins Ntd Llc (ga)
Classification: Pathogenic. Last evaluated: 2015-09-17. Review status: criteria provided, single submitter. Criteria: EGL Classification Definitions 2015. Collection method: clinical testing. Allele origin: germline. Observed: 1 variant allele, 1 heterozygote.

Literature cited by the submitters: PubMed 19409520 (cited by Labcorp Genetics (formerly Invitae), Labcorp); PubMed 28961279 (cited by Labcorp Genetics (formerly Invitae), Labcorp and Ambry Genetics); PubMed 29752822 (cited by Labcorp Genetics (formerly Invitae), Labcorp and Ambry Genetics); PubMed 29726012 (cited by Ambry Genetics); PubMed 32008151 (cited by Ambry Genetics); PubMed 34572942 (cited by Ambry Genetics).